The following is an entry in ClinVar:

ClinVar aggregate classification (germline): Uncertain significance. Review status: criteria provided, multiple submitters, no conflicts (2 of 4 stars). 2 submissions from 2 submitters: Uncertain significance (2). Last evaluated 2025-06-23.

Conditions:
Vertebral, cardiac, tracheoesophageal, renal, and limb defects. Also called: VCTERL SYNDROME. Identifiers: MedGen C5543189, MONDO:0030987, OMIM 619227.
Inborn genetic diseases. Identifiers: MedGen C0950123, MeSH D030342.

Allele frequency attached by ClinVar (database versions not stated): ExAC 0.00002; gnomAD 0.00002; TOPMed 0.00003; ESP Exome Variant Server 0.00008.
gnomAD v4.1: 9 of 1,612,082 alleles (0.00056%); highest among the groups gnomAD compares: African/African-American, 0.0067%; no homozygotes.

Submissions (2):

Laboratorio de Genetica e Diagnostico Molecular, Hospital Israelita Albert Einstein
Classification: Uncertain significance for Vertebral, cardiac, tracheoesophageal, renal, and limb defects. Last evaluated: 2025-06-23. Review status: criteria provided, single submitter. Criteria: ACMG Guidelines, 2015. Collection method: clinical testing. Allele origin: germline. Affected: yes.
Comment: ACMG classification criteria: PM2 supporting, BP4 supporting

Ambry Genetics
Classification: Uncertain significance for Inborn genetic diseases. Last evaluated: 2021-07-09. Review status: criteria provided, single submitter. Criteria: Ambry Variant Classification Scheme 2023. Collection method: clinical testing. Allele origin: germline.

NM_016312.3(WBP11):c.509C>T (p.Thr170Ile)

Gene: WBP11 (WW domain binding protein 11; minus strand). Cytogenetic location: 12p12.3.
Variant type: single nucleotide variant.
Coding change: c.509C>T on transcript NM_016312.3 (MANE Select); coding-DNA position 509, C replaced by T.
Protein change: p.Thr170Ile; replaces threonine 170 with isoleucine.
Molecular consequence: missense variant.
Genome position (GRCh38, 1-based): chr12:14,794,983, G>A on the plus strand (C>T on the coding strand, the complement: WBP11 is on the minus strand). VCF-style: chr12-14794983-G-A. GRCh37 (hg19) VCF-style: chr12-14947917-G-A.
Other names: short protein forms T170I.
Identifiers: ClinVar variation 2236337 (VCV002236337.3), dbSNP rs368446438, ClinGen allele CA6464437.